The following is an entry in ClinVar:

NM_001378454.1(ALMS1):c.5918C>T (p.Pro1973Leu)

Gene: ALMS1 (ALMS1 centrosome and basal body associated protein; plus strand). Cytogenetic location: 2p13.1.
Variant type: single nucleotide variant.
Coding change: c.5918C>T on transcript NM_001378454.1 (MANE Select); coding-DNA position 5918, C replaced by T.
Protein change: p.Pro1973Leu; replaces proline 1973 with leucine.
Molecular consequence: missense variant.
Genome position (GRCh38, 1-based): chr2:73,452,445, C>T. VCF-style: chr2-73452445-C-T. GRCh37 (hg19) VCF-style: chr2-73679572-C-T.
Other names: c.5921C>T, p.Pro1974Leu (NM_015120.4); short protein forms P1973L, P1974L.
Identifiers: ClinVar variation 1750516 (VCV001750516.2), dbSNP rs199615641, ClinGen allele CA347283905.

ClinVar aggregate classification (germline): Uncertain significance (1 of 4 stars; one submission).

Conditions:
Cardiovascular phenotype. Identifiers: MedGen CN230736.

gnomAD v4.1: 12 of 1,613,892 alleles (0.00074%); highest among the groups gnomAD compares: Non-Finnish European, 0.001%; no homozygotes.

Submission:

Ambry Genetics
Classification: Uncertain significance for Cardiovascular phenotype. Last evaluated: 2021-05-25. Review status: criteria provided, single submitter. Criteria: Ambry Variant Classification Scheme 2023. Collection method: clinical testing. Allele origin: germline.
Comment: The p.P1974L variant (also known as c.5921C>T), located in coding exon 8 of the ALMS1 gene, results from a C to T substitution at nucleotide position 5921. The proline at codon 1974 is replaced by leucine, an amino acid with similar properties. This amino acid position is not well conserved in available vertebrate species, and leucine is the reference amino acid in other vertebrate species. In addition, this alteration is predicted to be tolerated by in silico analysis. Since supporting evidence is limited at this time, the clinical significance of this alteration remains unclear.